The following is an entry in ClinVar:

ClinVar aggregate classification (germline): Pathogenic/Likely pathogenic. Review status: criteria provided, multiple submitters, no conflicts (2 of 4 stars). 2 submissions from 2 submitters: Pathogenic (1); Likely pathogenic (1). Last evaluated 2022-09-14.

Conditions:
Autosomal recessive nonsyndromic hearing loss 77. Identifiers: Orphanet 90636, MedGen C2746083, MONDO:0013119, OMIM 613079.

gnomAD v4.1: 1 of 1,551,798 alleles (0.000064%); highest among the groups gnomAD compares: East Asian, 0.0024%; no homozygotes.

Submissions (2):

Labcorp Genetics (formerly Invitae), Labcorp
Classification: Likely pathogenic. Last evaluated: 2022-09-14. Review status: criteria provided, single submitter. Criteria: Invitae Variant Classification Sherloc (09022015). Collection method: clinical testing. Allele origin: germline.
Comment: This sequence change affects an acceptor splice site in intron 5 of the LOXHD1 gene. It is expected to disrupt RNA splicing. Variants that disrupt the donor or acceptor splice site typically lead to a loss of protein function (PMID: 16199547), and loss-of-function variants in LOXHD1 are known to be pathogenic (PMID: 19732867, 21465660, 25792669). In summary, the currently available evidence indicates that the variant is pathogenic, but additional data are needed to prove that conclusively. Therefore, this variant has been classified as Likely Pathogenic. Algorithms developed to predict the effect of sequence changes on RNA splicing suggest that this variant may disrupt the consensus splice site. Disruption of this splice site has been observed in individual(s) with deafness (PMID: 32149082). This variant is not present in population databases (gnomAD no frequency).

Juno Genomics, Hangzhou Juno Genomics, Inc
Classification: Pathogenic for Autosomal recessive nonsyndromic hearing loss 77. Review status: criteria provided, single submitter. Criteria: ACMG Guidelines, 2015. Collection method: clinical testing. Allele origin: germline.
Comment: Absent from controls (or at extremely low frequency if recessive) in Genome Aggregation Database.;Null variant in a gene where loss of function (LOF) is a known mechanism of disease.;For recessive disorders, detected in trans with a pathogenic variant.

Literature cited by the submitters: PubMed 16199547 (cited by Labcorp Genetics (formerly Invitae), Labcorp); PubMed 19732867 (cited by Labcorp Genetics (formerly Invitae), Labcorp); PubMed 21465660 (cited by Labcorp Genetics (formerly Invitae), Labcorp); PubMed 25792669 (cited by Labcorp Genetics (formerly Invitae), Labcorp); PubMed 32149082 (cited by Labcorp Genetics (formerly Invitae), Labcorp).

NM_001384474.1(LOXHD1):c.611-2A>T

Gene: LOXHD1 (lipoxygenase homology PLAT domains 1; minus strand). Cytogenetic location: 18q21.1.
Variant type: single nucleotide variant.
Coding change: c.611-2A>T on transcript NM_001384474.1 (MANE Select); the canonical splice acceptor site of the intron before coding-DNA position 611, A replaced by T.
Molecular consequence: splice acceptor variant.
Genome position (GRCh38, 1-based): chr18:46,610,926, T>A on the plus strand (A>T on the coding strand, the complement: LOXHD1 is on the minus strand). VCF-style: chr18-46610926-T-A. GRCh37 (hg19) VCF-style: chr18-44190889-T-A.
Other names: c.611-2A>T (NM_144612.7).
Identifiers: ClinVar variation 1918193 (VCV001918193.7), dbSNP rs1287270284, ClinGen allele CA402387705.